The following is an entry in ClinVar:

ClinVar aggregate classification (germline): Benign/Likely benign. Review status: criteria provided, multiple submitters, no conflicts (2 of 4 stars). 6 submissions from 6 submitters: Benign (1); Likely benign (5). Last evaluated 2026-04-24.

Conditions:
AIFM1-related disorder. Also called: AIFM1-related condition.
Charcot-Marie-Tooth Neuropathy X. Identifiers: MedGen CN118851.
Combined oxidative phosphorylation deficiency. Identifiers: MedGen C4540031, MONDO:0000732.
Inborn genetic diseases. Identifiers: MedGen C0950123, MeSH D030342.

Allele frequency attached by ClinVar (database versions not stated): gnomAD exomes 0.00003 and 0.00012; ExAC 0.00028; TOPMed 0.00045; gnomAD 0.00048 and 0.00049; 1000 Genomes Project 0.00053; ESP Exome Variant Server 0.00066; 1000 Genomes Project 30x 0.00083.
gnomAD v4.1: 93 of 1,202,385 alleles (0.0077%); highest among the groups gnomAD compares: African/African-American, 0.13%; no homozygotes.

Submissions (6):

Women's Health and Genetics/Laboratory Corporation of America, LabCorp
Classification: Likely benign. Last evaluated: 2026-04-24. Review status: criteria provided, single submitter. Criteria: LabCorp Variant Classification Summary - May 2015. Collection method: clinical testing. Allele origin: germline.

PreventionGenetics, part of Exact Sciences
Classification: Likely benign for AIFM1-related condition. Last evaluated: 2025-11-19. Review status: criteria provided, single submitter. Criteria: ACMG Guidelines, 2015. Collection method: clinical testing. Allele origin: germline.
Comment: This variant is classified as likely benign based on ACMG/AMP sequence variant interpretation guidelines (Richards et al. 2015 PMID: 25741868, with internal and published modifications).

Labcorp Genetics (formerly Invitae), Labcorp
Classification: Benign for Charcot-Marie-Tooth Neuropathy X; Combined oxidative phosphorylation deficiency. Last evaluated: 2025-08-11. Review status: criteria provided, single submitter. Criteria: Invitae Variant Classification Sherloc (09022015). Collection method: clinical testing. Allele origin: germline.

Blueprint Genetics
Classification: Likely benign. Last evaluated: 2024-10-03. Review status: criteria provided, single submitter. Criteria: ACMG Guidelines, 2015. Collection method: clinical testing. Allele origin: germline.

GeneDx
Classification: Likely benign. Last evaluated: 2021-05-03. Review status: criteria provided, single submitter. Criteria: GeneDx Variant Classification Process June 2021. Collection method: clinical testing. Allele origin: germline. Affected: yes.

Ambry Genetics
Classification: Likely benign for Inborn genetic diseases. Last evaluated: 2019-07-11. Review status: criteria provided, single submitter. Criteria: Ambry Variant Classification Scheme 2023. Collection method: clinical testing. Allele origin: germline.

NM_004208.4(AIFM1):c.54C>G (p.Pro18=)

Genes: AIFM1 (apoptosis inducing factor mitochondria associated 1; minus strand), RAB33A (RAB33A, member RAS oncogene family; plus strand), LOC130068679 (ATAC-STARR-seq lymphoblastoid active region 29939; plus strand). Cytogenetic location: Xq26.1.
Variant type: single nucleotide variant.
Coding change: c.54C>G on transcript NM_004208.4 (MANE Select); coding-DNA position 54, C replaced by G.
Protein change: p.Pro18=; no amino-acid change (proline 18 retained).
Molecular consequence: synonymous variant. On other transcripts: non-coding transcript variant (1).
Genome position (GRCh38, 1-based): chrX:130,165,603, G>C on the plus strand (C>G on the coding strand, the complement: AIFM1 is on the minus strand). VCF-style: chrX-130165603-G-C. GRCh37 (hg19) VCF-style: chrX-129299577-G-C.
Other names: c.54C>G, p.Pro18= (NM_001130847.4, NM_145812.3).
Identifiers: ClinVar variation 512658 (VCV000512658.19), dbSNP rs140076585, ClinGen allele CA10515545.